The following is an entry in ClinVar:

ClinVar aggregate classification (germline): Pathogenic (1 of 4 stars; one submission).

Conditions:
Mucopolysaccharidosis type 1. Also called: IDUA deficiency; MPS I; Mucopolysaccharidosis Type I. Identifiers: Orphanet 579, MedGen C0023786, MONDO:0001586.

Submission:

Myriad Genetics, Inc.
Classification: Pathogenic for Mucopolysaccharidosis type 1. Last evaluated: 2026-08-07. Review status: criteria provided, single submitter. Criteria: Myriad Autosomal Dominant, Autosomal Recessive and X-Linked Classification Criteria (2023). Collection method: clinical testing. Allele origin: unknown.
Comment: NM_000203.3(IDUA):c.1364dupC(V456Gfs*53) is expected to be pathogenic in the context of mucopolysaccharidosis type I. This variant is predicted to lead to an abnormal or absent protein product due to the creation of a premature termination codon in IDUA, a gene where loss-of-function variants are known to be pathogenic. Please note: this variant was assessed in the context of healthy population screening.

NM_000203.5(IDUA):c.1364dup (p.Val456fs)

Gene: IDUA (alpha-L-iduronidase; plus strand). Cytogenetic location: 4p16.3.
Variant type: Duplication.
Coding change: c.1364dup on transcript NM_000203.5 (MANE Select); coding-DNA position 1364, one base duplicated (C; older notation c.1364dupC).
Protein change: p.Val456fs; shifts the reading frame from valine 456.
Molecular consequence: frameshift variant. On other transcripts: non-coding transcript variant (1).
Genome position (GRCh38, 1-based): chr4:1,002,906, C duplicated. VCF-style (leftmost placement, unchanged base first): chr4-1002905-G-GC. GRCh37 (hg19) VCF-style: chr4-996693-G-GC.
Other names: c.968dup, p.Val324fs (NM_001363576.1); short protein forms V324fs, V456fs.
Identifiers: ClinVar variation 5016211 (VCV005016211.1).